The following is an entry in ClinVar:

NM_002335.4(LRP5):c.3784G>C (p.Asp1262His)

Gene: LRP5 (LDL receptor related protein 5; plus strand). Cytogenetic location: 11q13.2.
Variant type: single nucleotide variant.
Coding change: c.3784G>C on transcript NM_002335.4 (MANE Select); coding-DNA position 3784, G replaced by C.
Protein change: p.Asp1262His; replaces aspartic acid 1262 with histidine.
Molecular consequence: missense variant.
Genome position (GRCh38, 1-based): chr11:68,433,622, G>C. VCF-style: chr11-68433622-G-C. GRCh37 (hg19) VCF-style: chr11-68201090-G-C.
Other names: c.2041G>C, p.Asp681His (NM_001291902.2); short protein forms D1262H, D681H.
Identifiers: ClinVar variation 3698503 (VCV003698503.3).
Genomic context (GRCh38, chr11:68,433,622, plus strand): 5'-GCGGGGCTGCGTGTGATGTTCTCCTCTGTCCCTCCCCCAGAGCCGCCCACCTGCTCCCCG[G>C]ACCAGTTTGCATGTGCCACAGGGGAGATCGACTGTATCCCCGGGGCCTGGCGCTGTGACG-3'
Protein context (NP_002326.2, residues 1252-1272): TCGEPPTCSP[Asp1262His]QFACATGEID

ClinVar aggregate classification (germline): Uncertain significance. Review status: criteria provided, multiple submitters, no conflicts (2 of 4 stars). 2 submissions from 2 submitters: Uncertain significance (2). Last evaluated 2024-12-18.

gnomAD v4.1: 18 of 1,613,356 alleles (0.0011%); highest among the groups gnomAD compares: Non-Finnish European, 0.0015%; no homozygotes.

Submissions (2):

Labcorp Genetics (formerly Invitae), Labcorp
Classification: Uncertain significance. Last evaluated: 2024-12-18. Review status: criteria provided, single submitter. Criteria: Invitae Variant Classification Sherloc (09022015). Collection method: clinical testing. Allele origin: germline.
Comment: This sequence change replaces aspartic acid, which is acidic and polar, with histidine, which is basic and polar, at codon 1262 of the LRP5 protein (p.Asp1262His). This variant is not present in population databases (gnomAD no frequency). This missense change has been observed in individual(s) with LRP5-related conditions (PMID: 37076969). Invitae Evidence Modeling of protein sequence and biophysical properties (such as structural, functional, and spatial information, amino acid conservation, physicochemical variation, residue mobility, and thermodynamic stability) has been performed for this missense variant. However, the output from this modeling did not meet the statistical confidence thresholds required to predict the impact of this variant on LRP5 protein function. In summary, the available evidence is currently insufficient to determine the role of this variant in disease. Therefore, it has been classified as a Variant of Uncertain Significance.

Blueprint Genetics
Classification: Uncertain significance. Last evaluated: 2021-03-17. Review status: criteria provided, single submitter. Criteria: ACMG Guidelines, 2015. Collection method: clinical testing. Allele origin: germline.

Literature cited by the submitters: PubMed 37076969 (cited by Labcorp Genetics (formerly Invitae), Labcorp).